The following is an entry in ClinVar:

NM_007294.4(BRCA1):c.4987-68A>G

Gene: BRCA1 (BRCA1 DNA repair associated; minus strand). Cytogenetic location: 17q21.31.
Variant type: single nucleotide variant.
Coding change: c.4987-68A>G on transcript NM_007294.4 (MANE Select); 68 bases into the intron before coding-DNA position 4987, A replaced by G.
Molecular consequence: intron variant.
Genome position (GRCh38, 1-based): chr17:43,067,763, T>C on the plus strand (A>G on the coding strand, the complement: BRCA1 is on the minus strand). VCF-style: chr17-43067763-T-C. GRCh37 (hg19) VCF-style: chr17-41219780-T-C.
Other names: IVS16-68A>G; IVS16-68A/G; IVS 16-68A>G; IVS16-68G/A; c.1534-68A>G (NM_001408458.1, NM_001408461.1, NM_001408464.1 and 7 more transcripts); c.4096-68A>G (NM_001407967.1); c.4606-68A>G (NM_001407959.1); c.4720-68A>G (NM_001407931.1, NM_001407932.1, NM_001407928.1 and 4 more transcripts); and 75 more.
Identifiers: ClinVar variation 125746 (VCV000125746.30), dbSNP rs8176234, ClinGen allele CA003136.

ClinVar aggregate classification (germline): Benign. Review status: reviewed by expert panel (3 of 4 stars). 12 submissions from 11 submitters: Benign (1). 11 of the submissions do not count toward it. Last evaluated 2015-01-12.
ClinVar aggregate classification (somatic clinical impact): Tier IV - Benign/Likely benign (0 of 4 stars; one submission).

Conditions:
Hereditary cancer-predisposing syndrome. Also called: Tumor predisposition; Hereditary neoplastic syndrome; Hereditary Cancer Syndrome; Neoplastic Syndromes, Hereditary. Identifiers: Orphanet 140162, MedGen C0027672, MeSH D009386, MONDO:0015356.
Hereditary breast ovarian cancer syndrome. Also called: Hereditary breast and/or ovarian cancer syndrome; Breast and ovarian cancer; Hereditary breast and ovarian cancer syndrome; Hereditary breast and ovarian cancer; Hereditary breast and ovarian cancer syndrome (HBOC); BRCA1- and BRCA2-Associated Hereditary Breast and Ovarian Cancer. Identifiers: Orphanet 145, MedGen C0677776, MeSH D061325, MONDO:0003582. Disease mechanism: loss of function.
Breast-ovarian cancer, familial, susceptibility to, 1 (BROVCA1). Also called: BRCA1 Hereditary Breast and Ovarian Cancer; OVARIAN CANCER, SUSCEPTIBILITY TO. Identifiers: Orphanet 145, MedGen C2676676, MONDO:0011450, OMIM 604370. Disease mechanism: loss of function.
Familial cancer of breast. Also called: Hereditary breast cancer; hereditary breast carcinoma; BREAST CANCER, FAMILIAL. Identifiers: Orphanet 227535, MedGen C0346153, MONDO:0016419, OMIM 114480. Disease mechanism: loss of function.

Allele frequency attached by ClinVar (database versions not stated): TOPMed 0.30298; gnomAD 0.30809 and 0.31542; gnomAD exomes 0.34175; 1000 Genomes Project 30x 0.34916; 1000 Genomes Project 0.35463.
gnomAD v4.1: 413,426 of 1,221,538 alleles (34%); highest among the groups gnomAD compares: South Asian, 50%; 72,491 homozygotes.

Submissions (13):

Evidence-based Network for the Interpretation of Germline Mutant Alleles (ENIGMA)
Classification: Benign for Breast-ovarian cancer, familial 1. Last evaluated: 2015-01-12. Review status: reviewed by expert panel. Criteria: ENIGMA BRCA1/2 Classification Criteria (2015). Collection method: curation. Allele origin: germline.
Comment: Class 1 not pathogenic based on frequency >1% in an outbred sampleset. Frequency 0.3322 (Asian), 0.2175 (African), 0.3615 (European), derived from 1000 genomes (2012-04-30).

National Health Laboratory Service, Universitas Academic Hospital and University of the Free State
Classification: Benign for Hereditary breast ovarian cancer syndrome. Last evaluated: 2022-04-19. Review status: criteria provided, single submitter. Criteria: ACMG Guidelines, 2015. Collection method: clinical testing. Allele origin: germline. Affected: yes. Observed: 634 variant alleles. Not counted in ClinVar's aggregate classification.

GeneDx
Classification: Benign. Last evaluated: 2015-03-03. Review status: criteria provided, single submitter. Criteria: GeneDx Variant Classification Process June 2021. Collection method: clinical testing. Allele origin: germline. Affected: yes. Not counted in ClinVar's aggregate classification.

Color Diagnostics, LLC DBA Color Health
Classification: Benign for Hereditary cancer-predisposing syndrome. Last evaluated: 2014-12-11. Review status: criteria provided, single submitter. Criteria: ACMG Guidelines, 2015. Collection method: clinical testing. Allele origin: germline. Not counted in ClinVar's aggregate classification.

Genome Diagnostics Laboratory, University Medical Center Utrecht
Classification: Benign for Breast-ovarian cancer, familial, susceptibility to, 1. Last evaluated: 2014-10-09. Review status: criteria provided, single submitter. Criteria: ACGS Guidelines, 2013. Collection method: clinical testing. Allele origin: germline. Affected: yes. Study: VKGL Data-share Consensus. Not counted in ClinVar's aggregate classification.

Breakthrough Genomics
Classification: Benign. Review status: criteria provided, single submitter. Criteria: ACMG Guidelines, 2015. Collection method: not provided. Allele origin: germline. Inheritance: Autosomal recessive inheritance. Affected: yes. Not counted in ClinVar's aggregate classification.

GreenArray Genomic Research & Solutions of Accurate Diagnostic Private Limited
Classification: Benign for Breast-ovarian cancer, familial, susceptibility to, 1. Review status: criteria provided, single submitter. Criteria: ACMG Guidelines, 2015. Collection method: clinical testing. Allele origin: germline. Affected: no. Not counted in ClinVar's aggregate classification.

Breast Cancer Information Core (BIC) (BRCA1)
Classification: Benign for Breast-ovarian cancer, familial 1. Last evaluated: 2002-05-29. Review status: no assertion criteria provided. Collection method: clinical testing. Allele origin: germline. Affected: yes. Observed: 8 variant alleles. Not counted in ClinVar's aggregate classification.

Clinical Genetics Laboratory, Department of Pathology, Netherlands Cancer Institute
Classification: Benign. Review status: no assertion criteria provided. Collection method: clinical testing. Allele origin: germline. Affected: yes. Study: VKGL Data-share Consensus. Not counted in ClinVar's aggregate classification.

Department of Pathology and Laboratory Medicine, Sinai Health System
Classification: Benign. Review status: no assertion criteria provided. Collection method: clinical testing. Allele origin: unknown. Affected: yes. Observed: 232 variant alleles. Study: The Canadian Open Genetics Repository (COGR). Not counted in ClinVar's aggregate classification.

Faculté Pluridciplinaire Nador, Université Mohamed Premier
Classification: Tier IV - Benign/Likely benign for Familial cancer of breast. Review status: no assertion criteria provided. Collection method: research. Allele origin: somatic. Affected: yes.
Comment: The following databases and algorithms are used to annotate and evaluate the impact of the variant in the context of human disease: 1000 genomes, gnomAD, ClinVar, OMIM, dbSNP, NCIB RefSeq Genes, ExAC Gene Constraints, VS-SIFT, VS-PolyPhen2, PhyloP, GERP++, GeneSplicer, MaxEntScan, NNSplice, PWM Splice Predictor.

Joint Genome Diagnostic Labs from Nijmegen and Maastricht, Radboudumc and MUMC+
Classification: Benign. Review status: no assertion criteria provided. Collection method: clinical testing. Allele origin: germline. Affected: yes. Study: VKGL Data-share Consensus. Not counted in ClinVar's aggregate classification.

Breast Cancer Information Core (BIC) (BRCA1)
No classification provided. Condition: Breast-ovarian cancer, familial 1. Review status: flagged submission. Collection method: clinical testing. Allele origin: germline. Affected: yes. Observed: 627 variant alleles. Not counted in ClinVar's aggregate classification.
ClinVar note: Reason: This record appears to be redundant with a more recent record from the same submitter.
ClinVar note: Notes: SCV000145247 appears to be redundant with SCV000145248.

Literature cited by the submitters: DOI 10.3389/fgene.2022.834265 (cited by National Health Laboratory Service, Universitas Academic Hospital and University of the Free State); Konstantopoulou et al, Hu Mut 2000 (cited by Breast Cancer Information Core (BIC) (BRCA1)); Ladopolou-et-al.,-Cancer-Lett,-185:61,-2002 (cited by Breast Cancer Information Core (BIC) (BRCA1)).